The following is an entry in ClinVar:

ClinVar aggregate classification (germline): Uncertain significance. Review status: criteria provided, multiple submitters, no conflicts (2 of 4 stars). 2 submissions from 2 submitters: Uncertain significance (2). Last evaluated 2023-06-12.

Conditions:
Hereditary sensory neuropathy-deafness-dementia syndrome. Also called: Hereditary Sensory and Autonomic Neuropathy Type 1E (HSAN1E); NEUROPATHY, HEREDITARY SENSORY, WITH HEARING LOSS AND DEMENTIA; HSN IE; Hereditary sensory neuropathy type IE. Identifiers: Orphanet 456318, MedGen C3279885, MONDO:0013584, OMIM 614116.

Submissions (2):

GeneDx
Classification: Uncertain significance. Last evaluated: 2023-06-12. Review status: criteria provided, single submitter. Criteria: GeneDx Variant Classification Process June 2021. Collection method: clinical testing. Allele origin: germline. Affected: yes.
Comment: Not observed at significant frequency in large population cohorts (gnomAD); In silico analysis supports that this missense variant does not alter protein structure/function; Has not been previously published as pathogenic or benign to our knowledge; This variant is associated with the following publications: (PMID: 25942534, 25678562, 23521649)

Labcorp Genetics (formerly Invitae), Labcorp
Classification: Uncertain significance for Hereditary sensory neuropathy-deafness-dementia syndrome. Last evaluated: 2018-10-23. Review status: criteria provided, single submitter. Criteria: Invitae Variant Classification Sherloc (09022015). Collection method: clinical testing. Allele origin: germline.
Comment: In summary, the available evidence is currently insufficient to determine the role of this variant in disease. Therefore, it has been classified as a Variant of Uncertain Significance. Algorithms developed to predict the effect of missense changes on protein structure and function are either unavailable or do not agree on the potential impact of this missense change (SIFT: "Deleterious"; PolyPhen-2: "Possibly Damaging"; Align-GVGD: "Class C0"). This variant has not been reported in the literature in individuals with DNMT1-related disease. This variant is not present in population databases (ExAC no frequency). This sequence change replaces glutamic acid with lysine at codon 548 of the DNMT1 protein (p.Glu548Lys). The glutamic acid residue is highly conserved and there is a small physicochemical difference between glutamic acid and lysine.

NM_001130823.3(DNMT1):c.1642G>A (p.Glu548Lys)

Gene: DNMT1 (DNA methyltransferase 1; minus strand). Cytogenetic location: 19p13.2.
Variant type: single nucleotide variant.
Coding change: c.1642G>A on transcript NM_001130823.3 (MANE Select); coding-DNA position 1642, G replaced by A.
Protein change: p.Glu548Lys; replaces glutamic acid 548 with lysine.
Molecular consequence: missense variant.
Genome position (GRCh38, 1-based): chr19:10,154,907, C>T on the plus strand (G>A on the coding strand, the complement: DNMT1 is on the minus strand). VCF-style: chr19-10154907-C-T. GRCh37 (hg19) VCF-style: chr19-10265583-C-T.
Other names: c.1642G>A (LRG_362t1); c.1594G>A, p.Glu532Lys (NM_001318730.2, NM_001379.4); c.1279G>A, p.Glu427Lys (NM_001318731.2); short protein forms E532K, E548K, E427K.
Identifiers: ClinVar variation 658583 (VCV000658583.9), dbSNP rs865891586, ClinGen allele CA305172547.
Genomic context (GRCh38, chr19:10,154,907, plus strand): 5'-GTTCTGAAGGCAAGTTTCCAGTGGGAATCCCGGATGCTGAGGACCCTCGATCTCTTACCT[C>T]GATCTTGTTGATCAGGTCCTCATAGGTCGAGTCGGAATTGCTCTGCAGGAACTCCACCAC-3'
Protein context (NP_001124295.1, residues 538-558): STYEDLINKI[Glu548Lys]TTVPPSGLNL